The following is an entry in ClinVar:

NM_002227.4(JAK1):c.676A>T (p.Asn226Tyr)

Gene: JAK1 (Janus kinase 1; minus strand). Cytogenetic location: 1p31.3.
Variant type: single nucleotide variant.
Coding change: c.676A>T on transcript NM_002227.4 (MANE Select); coding-DNA position 676, A replaced by T.
Protein change: p.Asn226Tyr; replaces asparagine 226 with tyrosine.
Molecular consequence: missense variant.
Genome position (GRCh38, 1-based): chr1:64,867,180, T>A on the plus strand (A>T on the coding strand, the complement: JAK1 is on the minus strand). VCF-style: chr1-64867180-T-A. GRCh37 (hg19) VCF-style: chr1-65332863-T-A.
Other names: c.676A>T, p.Asn226Tyr (NM_001320923.2, NM_001321852.2, NM_001321853.2 and 4 more transcripts); short protein forms N226Y.
Identifiers: ClinVar variation 2846378 (VCV002846378.3), dbSNP rs2101116336, ClinGen allele CA340676213.

ClinVar aggregate classification (germline): Uncertain significance (1 of 4 stars; one submission).

Submission:

Labcorp Genetics (formerly Invitae), Labcorp
Classification: Uncertain significance. Last evaluated: 2023-03-16. Review status: criteria provided, single submitter. Criteria: Invitae Variant Classification Sherloc (09022015). Collection method: clinical testing. Allele origin: germline.
Comment: This variant is not present in population databases (gnomAD no frequency). This variant has not been reported in the literature in individuals affected with JAK1-related conditions. Advanced modeling of protein sequence and biophysical properties (such as structural, functional, and spatial information, amino acid conservation, physicochemical variation, residue mobility, and thermodynamic stability) has been performed at Invitae for this missense variant, however the output from this modeling did not meet the statistical confidence thresholds required to predict the impact of this variant on JAK1 protein function. In summary, the available evidence is currently insufficient to determine the role of this variant in disease. Therefore, it has been classified as a Variant of Uncertain Significance. This sequence change replaces asparagine, which is neutral and polar, with tyrosine, which is neutral and polar, at codon 226 of the JAK1 protein (p.Asn226Tyr).